The following is an entry in ClinVar:

NM_152564.5(VPS13B):c.9542T>G (p.Val3181Gly)

Gene: VPS13B (vacuolar protein sorting 13 homolog B; plus strand). Cytogenetic location: 8q22.2.
Variant type: single nucleotide variant.
Coding change: c.9542T>G on transcript NM_152564.5 (MANE Select); coding-DNA position 9542, T replaced by G.
Protein change: p.Val3181Gly; replaces valine 3181 with glycine.
Molecular consequence: missense variant.
Genome position (GRCh38, 1-based): chr8:99,832,580, T>G. VCF-style: chr8-99832580-T-G. GRCh37 (hg19) VCF-style: chr8-100844808-T-G.
Other names: c.9617T>G, p.Val3206Gly (NM_017890.5); short protein forms V3206G, V3181G.
Identifiers: ClinVar variation 4997831 (VCV004997831.1).
Genomic context (GRCh38, chr8:99,832,580, plus strand): 5'-TGGGCTTTTCTCCTGCCCCAGGTGCTGACAGCTCACAGTGCTGGAGCCTGCCAGCTATAG[T>G]TAGACCAGAGTTTCCCAGACAGAGTGTGGCAGTACCCCTCGGGAATTTCCGGGAAAATGG-3'
Protein context (NP_689777.3, residues 3171-3191): SSQCWSLPAI[Val3181Gly]RPEFPRQSVA

ClinVar aggregate classification (germline): Uncertain significance (1 of 4 stars; one submission).

Conditions:
VPS13B-related disorder. Also called: VPS13B-related condition.

gnomAD v4.1: 2 of 1,613,950 alleles (0.00012%); highest among the groups gnomAD compares: Non-Finnish European, 0.00017%; no homozygotes.

Submission:

PreventionGenetics, part of Exact Sciences
Classification: Uncertain significance for VPS13B-related condition. Last evaluated: 2024-12-27. Review status: criteria provided, single submitter. Criteria: ACMG Guidelines, 2015. Collection method: clinical testing. Allele origin: germline.
Comment: The VPS13B c.9542T>G variant is predicted to result in the amino acid substitution p.Val3181Gly. To our knowledge, this variant has not been reported in the literature or in a large population database (gnomAD), indicating this variant is rare. At this time, the clinical significance of this variant is uncertain due to the absence of conclusive functional and genetic evidence.